The following is an entry in ClinVar:

ClinVar aggregate classification (germline): Likely pathogenic (1 of 4 stars; one submission).

Conditions:
Intellectual disability-severe speech delay-mild dysmorphism syndrome (IDDLA). Also called: FOXP1 Syndrome; Mental retardation with language impairment and autistic features; Intellectual developmental disorder with language impairment AND with or without autistic features. Identifiers: Orphanet 391372, MedGen C4013764, MONDO:0013352, OMIM 613670.

Submission:

Center for Human Genetics and Genomic Medicine, Uniklinik Rwth Aachen
Classification: Likely pathogenic for Intellectual disability-severe speech delay-mild dysmorphism syndrome. Last evaluated: 2021-06-21. Review status: criteria provided, single submitter. Criteria: ACMG Guidelines, 2015. Collection method: clinical testing. Allele origin: maternal. Inheritance: Autosomal dominant inheritance. Affected: yes. Observed: 1 variant allele, 1 heterozygote.
Comment: The detected variant has not yet been reported in the relevant databases (dbSNP151, gnomAD, ClinVar) or in the literature. In the case of stop or nonsense variants in a gene that matches the phenotype, a pathogenetic relevance can be assumed with a high degree of probability. In bioinformatics, the change is classified as "probably disease causing" (PolyPhen2, Mutation Taster, SIFT). At this point in time, the variant is to be classified as a â€œlikely pathogenic " variant.

NM_001349338.3(FOXP1):c.1534dup (p.Ala512fs)

Gene: FOXP1 (forkhead box P1; minus strand). Cytogenetic location: 3p13.
Variant type: Duplication.
Coding change: c.1534dup on transcript NM_001349338.3 (MANE Select); coding-DNA position 1534, one base duplicated (G; older notation c.1534dupG).
Protein change: p.Ala512fs; shifts the reading frame from alanine 512.
Molecular consequence: frameshift variant. On other transcripts: non-coding transcript variant (2), intron variant (1).
Genome position (GRCh38, 1-based): chr3:70,972,673, C duplicated on the plus strand (G on the coding strand, the reverse complement: FOXP1 is on the minus strand). VCF-style (leftmost placement, unchanged base first): chr3-70972672-G-GC. GRCh37 (hg19) VCF-style: chr3-71021823-G-GC.
Other names: c.1531dup, p.Ala511fs (NM_001244808.3, NM_001349341.3); c.1306dup, p.Ala436fs (NM_001244812.3); c.1234dup, p.Ala412fs (NM_001244813.3, NM_001244815.2, NM_001349342.3); c.1534dup, p.Ala512fs (NM_001244814.3, NM_001244816.2, NM_001349340.3 and 1 more transcripts); c.1231dup, p.Ala411fs (NM_001349337.2, NM_001349343.3, NM_001349344.3 and 1 more transcripts); c.1531-493dup (NM_001244810.2); short protein forms A411fs, A412fs, A436fs, A511fs, A512fs.
Identifiers: ClinVar variation 1172915 (VCV001172915.3), dbSNP rs2107201851, ClinGen allele CA2499216980.